The following is an entry in ClinVar:

ClinVar aggregate classification (germline): Pathogenic (1 of 4 stars; one submission).

Submission:

Labcorp Genetics (formerly Invitae), Labcorp
Classification: Pathogenic. Last evaluated: 2019-12-03. Review status: criteria provided, single submitter. Criteria: Invitae Variant Classification Sherloc (09022015). Collection method: clinical testing. Allele origin: germline.
Comment: For these reasons, this variant has been classified as Pathogenic. Loss-of-function variants in SPG20 are known to be pathogenic (PMID: 18413476, 20437587, 20504295). This variant has not been reported in the literature in individuals with SPG20-related conditions. ClinVar contains an entry for this variant (Variation ID: 631700). This variant is not present in population databases (ExAC no frequency). This sequence change creates a premature translational stop signal (p.Leu159Valfs*21) in the SPG20 gene. It is expected to result in an absent or disrupted protein product.

Literature cited by the submitters: PubMed 18413476; PubMed 20437587; PubMed 20504295.

NM_015087.5(SPART):c.475_476del (p.Leu159fs)

Gene: SPART (spartin; minus strand). Cytogenetic location: 13q13.3.
Variant type: Microsatellite.
Coding change: c.475_476del on transcript NM_015087.5 (MANE Select); coding-DNA positions 475 to 476, 2 bases deleted (CT; older notation c.475_476delCT).
Protein change: p.Leu159fs; shifts the reading frame from leucine 159.
Molecular consequence: frameshift variant.
Genome position (GRCh38, 1-based): chr13:36,335,355-36,335,356, AG deleted on the plus strand (CT on the coding strand, the reverse complement: SPART is on the minus strand); deleting any 2 consecutive bases within chr13:36,335,355-36,335,359 gives the same sequence; the c. name uses the placement nearest the transcript's 3' end. VCF-style (leftmost placement, unchanged base first): chr13-36335354-CAG-C. GRCh37 (hg19) VCF-style: chr13-36909491-CAG-C.
Other names: c.475_476del (NM_015087.4); c.475_476del, p.Leu159fs (NM_001142294.2, NM_001142295.2, NM_001142296.2); short protein forms L159fs.
Identifiers: ClinVar variation 631700 (VCV000631700.11), dbSNP rs1480709252, ClinGen allele CA609452285.